The following is an entry in ClinVar:

NM_000138.5(FBN1):c.379G>C (p.Gly127Arg)

Gene: FBN1 (fibrillin 1; minus strand). Cytogenetic location: 15q21.1.
Variant type: single nucleotide variant.
Coding change: c.379G>C on transcript NM_000138.5 (MANE Select); coding-DNA position 379, G replaced by C.
Protein change: p.Gly127Arg; replaces glycine 127 with arginine.
Molecular consequence: missense variant.
Genome position (GRCh38, 1-based): chr15:48,600,202, C>G on the plus strand (G>C on the coding strand, the complement: FBN1 is on the minus strand). VCF-style: chr15-48600202-C-G. GRCh37 (hg19) VCF-style: chr15-48892399-C-G.
Other names: short protein forms G127R.
Identifiers: ClinVar variation 391616 (VCV000391616.2), dbSNP rs1057524165, ClinGen allele CA16606747.

ClinVar aggregate classification (germline): Uncertain significance (1 of 4 stars; one submission).

Submission:

GeneDx
Classification: Uncertain significance. Last evaluated: 2016-12-14. Review status: criteria provided, single submitter. Criteria: GeneDx Variant Classification (06012015). Collection method: clinical testing. Allele origin: germline. Affected: yes.
Comment: The G127R variant of uncertain significance in the FBN1 gene has not been published as a pathogenic variant, nor has it been reported as a benign variant to our knowledge. G127R was not observed in approximately 6,500 individuals of European and African American ancestry in the NHLBI Exome Sequencing Project, nor was it observed in the Exome Aggregation Consortium (ExAC), indicating it is not a common benign variant in these populations. The G127R variant is a non-conservative amino acid substitution, which is likely to impact secondary protein structure as these residues differ in polarity, charge, size and/or other properties. Moreover, this substitution occurs at a position that is conserved across species, and in silico analysis predicts this variant is probably damaging to the protein structure/function. Nevertheless, G127R does not affect a Cysteine residue within a calcium-binding EGF-like domain of the FBN1 gene. Cysteine substitutions in the calcium-binding EGF-like domains represent the majority of pathogenic missense changes associated with Marfan syndrome (Collod-Beroud et al., 2003). Finally, a missense variant in the same residue (G127D) has been reported in the Human Gene Mutation Database in association with an incomplete Marfan syndrome phenotype (Stenson et al., 2014); however, the pathogenicity of this variant has not been definitively determined.